The following is an entry in ClinVar:

ClinVar aggregate classification (germline): Uncertain significance (1 of 4 stars; one submission).

Submission:

Labcorp Genetics (formerly Invitae), Labcorp
Classification: Uncertain significance. Last evaluated: 2025-01-17. Review status: criteria provided, single submitter. Criteria: Invitae Variant Classification Sherloc (09022015). Collection method: clinical testing. Allele origin: germline.
Comment: This variant, c.2271_2273del, results in the deletion of 1 amino acid(s) of the SEC63 protein (p.Glu757del), but otherwise preserves the integrity of the reading frame. This variant is present in population databases (rs756440665, gnomAD 0.007%). This variant has not been reported in the literature in individuals affected with SEC63-related conditions. Experimental studies and prediction algorithms are not available or were not evaluated, and the functional significance of this variant is currently unknown. In summary, the available evidence is currently insufficient to determine the role of this variant in disease. Therefore, it has been classified as a Variant of Uncertain Significance.

NM_007214.5(SEC63):c.2265AGA[2] (p.Glu757del)

Gene: SEC63 (SEC63 protein translocation regulator; minus strand). Cytogenetic location: 6q21.
Variant type: Microsatellite.
Coding change: c.2265AGA[2] on transcript NM_007214.5 (MANE Select); two copies in a row of the 3-base unit AGA starting at c.2265; the reference has three copies in a row; one copy, 3 bases deleted.
Protein change: p.Glu757del; deletes glutamic acid 757.
Molecular consequence: inframe deletion.
Genome position (GRCh38, 1-based): chr6:107,871,714-107,871,716, TCT deleted on the plus strand (AGA on the coding strand, the reverse complement: SEC63 is on the minus strand); deleting any 3 consecutive bases within chr6:107,871,714-107,871,724 gives the same sequence; the position shown is the placement nearest the transcript's 3' end. VCF-style (leftmost placement, unchanged base first): chr6-107871713-ATCT-A. GRCh37 (hg19) VCF-style: chr6-108192917-ATCT-A.
Other names: short protein forms E757del.
Identifiers: ClinVar variation 3607999 (VCV003607999.2).
Genomic context (GRCh38, chr6:107,871,713, plus strand): 5'-AGCAAAAAATTGCAAATATGTGCAAACACTGTGGTCCATTCAGAGTACTGCTTAGTCATC[ATCT>A]TCTTCTTCCTCCTCTTCTTCCTCAAAGCTATCTTCAAAGCCCTCACTGTCCTCCTGGTCT-3'